The following is an entry in ClinVar:

NM_021800.3(DNAJC12):c.35C>T (p.Thr12Ile)

Gene: DNAJC12 (DnaJ heat shock protein family (Hsp40) member C12; minus strand). Cytogenetic location: 10q21.3.
Variant type: single nucleotide variant.
Coding change: c.35C>T on transcript NM_021800.3 (MANE Select); coding-DNA position 35, C replaced by T.
Protein change: p.Thr12Ile; replaces threonine 12 with isoleucine.
Molecular consequence: missense variant.
Genome position (GRCh38, 1-based): chr10:67,837,977, G>A on the plus strand (C>T on the coding strand, the complement: DNAJC12 is on the minus strand). VCF-style: chr10-67837977-G-A. GRCh37 (hg19) VCF-style: chr10-69597735-G-A.
Other names: c.35C>T (NM_021800.2); c.35C>T, p.Thr12Ile (NM_201262.2); short protein forms T12I.
Identifiers: ClinVar variation 1486380 (VCV001486380.8), dbSNP rs368204647, ClinGen allele CA5520948.
Genomic context (GRCh38, chr10:67,837,977, plus strand): 5'-ATTATCCACTGTCTTACCGAAGATAGTTCATCACATCCCAGTAATGTGTAGTAATCTTCA[G>A]TATCTTCTGACCTGTAATTCAGTATTGCATCCATTTAGATGACTTAATCAGTCCTTCTTC-3'
Protein context (NP_068572.1, residues 2-22): DAILNYRSED[Thr12Ile]EDYYTLLGCD

ClinVar aggregate classification (germline): Conflicting classifications of pathogenicity. Review status: criteria provided, conflicting classifications (1 of 4 stars). 3 submissions from 3 submitters: Uncertain significance (2); Likely benign (1). Last evaluated 2025-11-03.

Conditions:
DNAJC12-related disorder. Also called: DNAJC12-related condition.
Inborn genetic diseases. Identifiers: MedGen C0950123, MeSH D030342.

Allele frequency attached by ClinVar (database versions not stated): TOPMed 0.00005; gnomAD exomes 0.00010 and 0.00001; ExAC 0.00001; gnomAD 0.00003 and 0.00004; ESP Exome Variant Server 0.00008.
gnomAD v4.1: 140 of 1,609,198 alleles (0.0087%); highest among the groups gnomAD compares: Non-Finnish European, 0.012%; no homozygotes.

Submissions (3):

Ambry Genetics
Classification: Likely benign for Inborn genetic diseases. Last evaluated: 2025-11-03. Review status: criteria provided, single submitter. Criteria: Ambry Variant Classification Scheme 2023. Collection method: clinical testing. Allele origin: germline.

PreventionGenetics, part of Exact Sciences
Classification: Uncertain significance for DNAJC12-related condition. Last evaluated: 2023-03-16. Review status: criteria provided, single submitter. Criteria: ACMG Guidelines, 2015. Collection method: clinical testing. Allele origin: germline.
Comment: The DNAJC12 c.35C>T variant is predicted to result in the amino acid substitution p.Thr12Ile. To our knowledge, this variant has not been reported in the literature. This variant is reported in 0.0027% of alleles in individuals of European (Non-Finnish) descent in gnomAD. At this time, the clinical significance of this variant is uncertain due to the absence of conclusive functional and genetic evidence.

Labcorp Genetics (formerly Invitae), Labcorp
Classification: Uncertain significance. Last evaluated: 2022-10-13. Review status: criteria provided, single submitter. Criteria: Invitae Variant Classification Sherloc (09022015). Collection method: clinical testing. Allele origin: germline.
Comment: This sequence change replaces threonine, which is neutral and polar, with isoleucine, which is neutral and non-polar, at codon 12 of the DNAJC12 protein (p.Thr12Ile). This variant is present in population databases (rs368204647, gnomAD 0.003%). This variant has not been reported in the literature in individuals affected with DNAJC12-related conditions. ClinVar contains an entry for this variant (Variation ID: 1486380). Algorithms developed to predict the effect of missense changes on protein structure and function output the following: SIFT: "Tolerated"; PolyPhen-2: "Benign"; Align-GVGD: "Class C0". The isoleucine amino acid residue is found in multiple mammalian species, which suggests that this missense change does not adversely affect protein function. In summary, the available evidence is currently insufficient to determine the role of this variant in disease. Therefore, it has been classified as a Variant of Uncertain Significance.